The following is an entry in ClinVar:

NM_002860.4(ALDH18A1):c.1795del (p.Arg599fs)

Gene: ALDH18A1 (aldehyde dehydrogenase 18 family member A1; minus strand). Cytogenetic location: 10q24.1.
Variant type: Deletion.
Coding change: c.1795del on transcript NM_002860.4 (MANE Select); coding-DNA position 1795, one base deleted (A; older notation c.1795delA).
Protein change: p.Arg599fs; shifts the reading frame from arginine 599.
Molecular consequence: frameshift variant.
Genome position (GRCh38, 1-based): chr10:95,613,972, T deleted on the plus strand (A on the coding strand, the reverse complement: ALDH18A1 is on the minus strand). VCF-style (leftmost placement, unchanged base first): chr10-95613971-CT-C. GRCh37 (hg19) VCF-style: chr10-97373728-CT-C.
Other names: c.1795delA (NM_002860.3); c.1789del, p.Arg597fs (NM_001017423.2, NM_001323415.2); c.1462del, p.Arg488fs (NM_001323412.2, NM_001323416.2); c.1795del, p.Arg599fs (NM_001323413.2, NM_001323414.2); c.1690del, p.Arg564fs (NM_001323417.2); c.1456del, p.Arg486fs (NM_001323418.2); c.1159del, p.Arg387fs (NM_001323419.2); short protein forms R486fs, R597fs, R599fs, R488fs, R564fs, R387fs.
Identifiers: ClinVar variation 2930570 (VCV002930570.4), dbSNP rs2526727709, ClinGen allele CA2574622086.

ClinVar aggregate classification (germline): Pathogenic. Review status: criteria provided, multiple submitters, no conflicts (2 of 4 stars). 2 submissions from 2 submitters: Pathogenic (2). Last evaluated 2026-06-30.

Conditions:
Inborn genetic diseases. Identifiers: MedGen C0950123, MeSH D030342.
Cutis laxa, autosomal dominant 3 (ADCL3). Identifiers: Orphanet 90348, MedGen C4225268, MONDO:0014706, OMIM 616603.
Autosomal dominant spastic paraplegia type 9. Identifiers: MedGen C1832669, MONDO:0015091.
de Barsy syndrome. Also called: Cutis laxa-corneal clouding-oligophrenia syndrome. Identifiers: Orphanet 2962, MedGen C0268354, MONDO:0017569.

Allele frequency attached by ClinVar (database versions not stated): gnomAD exomes below 0.00001.

Submissions (2):

Ambry Genetics
Classification: Pathogenic for Inborn genetic diseases. Last evaluated: 2026-06-30. Review status: criteria provided, single submitter. Criteria: Ambry Variant Classification Scheme 2023. Collection method: clinical testing. Allele origin: germline.
Comment: The c.1795delA (p.R599Gfs*2) alteration, located in exon 14 (coding exon 13) of the ALDH18A1 gene, consists of a deletion of one nucleotide at position 1795, causing a translational frameshift with a predicted alternate stop codon after 2 amino acids. This variant is expected to result in loss of function by premature protein truncation or nonsense-mediated mRNA decay. for autosomal recessive P5CS deficiency; however, its clinical significance for autosomal dominant P5CS deficiency is uncertain. This variant was not reported in population-based cohorts in the Genome Aggregation Database (gnomAD). Based on the available evidence, this alteration is classified as pathogenic.

Labcorp Genetics (formerly Invitae), Labcorp
Classification: Pathogenic for Autosomal dominant spastic paraplegia type 9; de Barsy syndrome; Cutis laxa, autosomal dominant 3. Last evaluated: 2023-07-14. Review status: criteria provided, single submitter. Criteria: Invitae Variant Classification Sherloc (09022015). Collection method: clinical testing. Allele origin: germline.
Comment: For these reasons, this variant has been classified as Pathogenic. This variant has not been reported in the literature in individuals affected with ALDH18A1-related conditions. This variant is not present in population databases (gnomAD no frequency). This sequence change creates a premature translational stop signal (p.Arg599Glyfs*2) in the ALDH18A1 gene. It is expected to result in an absent or disrupted protein product. Loss-of-function variants in ALDH18A1 are known to be pathogenic (PMID: 21739576, 24913064, 28567303, 28604674, 29915212).

Literature cited by the submitters: PubMed 21739576 (cited by Labcorp Genetics (formerly Invitae), Labcorp); PubMed 24913064 (cited by Labcorp Genetics (formerly Invitae), Labcorp); PubMed 28567303 (cited by Labcorp Genetics (formerly Invitae), Labcorp); PubMed 28604674 (cited by Labcorp Genetics (formerly Invitae), Labcorp); PubMed 29915212 (cited by Labcorp Genetics (formerly Invitae), Labcorp).